The following is an entry in ClinVar:

NM_001034853.2(RPGR):c.905G>A (p.Cys302Tyr)

Gene: RPGR (retinitis pigmentosa GTPase regulator; minus strand). Cytogenetic location: Xp11.4.
Variant type: single nucleotide variant.
Coding change: c.905G>A on transcript NM_001034853.2 (MANE Select); coding-DNA position 905, G replaced by A.
Protein change: p.Cys302Tyr; replaces cysteine 302 with tyrosine.
Molecular consequence: missense variant. On other transcripts: non-coding transcript variant (5).
Genome position (GRCh38, 1-based): chrX:38,304,664, C>T on the plus strand (G>A on the coding strand, the complement: RPGR is on the minus strand). VCF-style: chrX-38304664-C-T. GRCh37 (hg19) VCF-style: chrX-38163917-C-T.
Other names: c.905G>A, p.Cys302Tyr (NM_000328.3, NM_001367246.1, NM_001367247.1 and 1 more transcripts); c.902G>A, p.Cys301Tyr (NM_001367245.1, NM_001367249.1, NM_001367250.1); c.935G>A, p.Cys312Tyr (NM_001367248.1); short protein forms C302Y, C301Y, C312Y.
Identifiers: ClinVar variation 98810 (VCV000098810.12), dbSNP rs62640590, ClinGen allele CA226459.

ClinVar aggregate classification (germline): Conflicting classifications of pathogenicity. Review status: criteria provided, conflicting classifications (1 of 4 stars). 5 submissions from 5 submitters: Pathogenic (2); Uncertain significance (1). 2 of the submissions do not count toward it. Last evaluated 2024-04-08.

Conditions:
Retinal dystrophy. Also called: Inherited retinal dystrophy. Identifiers: Orphanet 71862, MedGen C0854723, MeSH D058499, MONDO:0019118, HP:0000556.
RPGR-related disorder. Also called: RPGR-related condition.
Primary ciliary dyskinesia. Also called: Ciliary dyskinesia. Identifiers: Orphanet 244, MedGen C0008780, MONDO:0016575, HP:0012265.

Submissions (5):

Labcorp Genetics (formerly Invitae), Labcorp
Classification: Pathogenic for Primary ciliary dyskinesia. Last evaluated: 2024-04-08. Review status: criteria provided, single submitter. Criteria: Invitae Variant Classification Sherloc (09022015). Collection method: clinical testing. Allele origin: germline.
Comment: This sequence change replaces cysteine, which is neutral and slightly polar, with tyrosine, which is neutral and polar, at codon 302 of the RPGR protein (p.Cys302Tyr). This variant is not present in population databases (gnomAD no frequency). This missense change has been observed in individuals with X-linked retinitis pigmentosa (PMID: 10937588, 32100970). It has also been observed to segregate with disease in related individuals. ClinVar contains an entry for this variant (Variation ID: 98810). Advanced modeling of protein sequence and biophysical properties (such as structural, functional, and spatial information, amino acid conservation, physicochemical variation, residue mobility, and thermodynamic stability) performed at Invitae indicates that this missense variant is expected to disrupt RPGR protein function with a positive predictive value of 95%. This variant disrupts the p.Cys302 amino acid residue in RPGR. Other variant(s) that disrupt this residue have been observed in individuals with RPGR-related conditions (PMID: 10737996, 28912962), which suggests that this may be a clinically significant amino acid residue. For these reasons, this variant has been classified as Pathogenic.

Dept Of Ophthalmology, Nagoya University
Classification: Uncertain significance for Retinal dystrophy. Last evaluated: 2023-10-01. Review status: criteria provided, single submitter. Criteria: Submitter's publication. Collection method: research. Allele origin: germline. Affected: yes.

Blueprint Genetics
Classification: Pathogenic for RPGR-related disorders. Last evaluated: 2022-02-22. Review status: criteria provided, single submitter. Criteria: ACMG Guidelines, 2015. Collection method: clinical testing. Allele origin: germline. Affected: yes. Observed: 3 variant alleles.

Institute of Human Genetics, Univ. Regensburg, Univ. Regensburg
Classification: Pathogenic for Retinal dystrophy. Last evaluated: 2018-01-01. Review status: no assertion criteria provided. Criteria: ACMG Guidelines, 2015. Collection method: clinical testing. Allele origin: germline. Affected: yes. Not counted in ClinVar's aggregate classification.

Retina International
No classification provided. Review status: no classification provided. Collection method: not provided. Allele origin: not provided. Not counted in ClinVar's aggregate classification.

Literature cited by the submitters: PubMed 10937588 (cited by Labcorp Genetics (formerly Invitae), Labcorp); PubMed 32100970 (cited by Labcorp Genetics (formerly Invitae), Labcorp); PubMed 10737996 (cited by Labcorp Genetics (formerly Invitae), Labcorp); PubMed 28912962 (cited by Labcorp Genetics (formerly Invitae), Labcorp).